The following is an entry in ClinVar:

NM_006279.5(ST3GAL3):c.530G>A (p.Arg177Gln)

Gene: ST3GAL3 (ST3 beta-galactoside alpha-2,3-sialyltransferase 3; plus strand). Cytogenetic location: 1p34.1.
Variant type: single nucleotide variant.
Coding change: c.530G>A on transcript NM_006279.5 (MANE Select); coding-DNA position 530, G replaced by A.
Protein change: p.Arg177Gln; replaces arginine 177 with glutamine.
Molecular consequence: missense variant. On other transcripts: non-coding transcript variant (7), intron variant (4).
Genome position (GRCh38, 1-based): chr1:43,899,236, G>A. VCF-style: chr1-43899236-G-A. GRCh37 (hg19) VCF-style: chr1-44364908-G-A.
Other names: c.530G>A, p.Arg177Gln (NM_001270459.2, NM_001350620.2, NM_174966.4); c.437G>A, p.Arg146Gln (NM_001270460.2); c.482G>A, p.Arg161Gln (NM_001270461.3, NM_001270464.3, NM_174969.4); c.389G>A, p.Arg130Gln (NM_001270462.3); c.527G>A, p.Arg176Gln (NM_001270463.3, NM_001270465.3); c.575G>A, p.Arg192Gln (NM_001350619.2, NM_174964.4); c.251G>A, p.Arg84Gln (NM_001350621.2); c.692G>A, p.Arg231Gln (NM_001363573.2, NM_174968.5); and 6 more; short protein forms R130Q, R192Q, R161Q, R176Q, R215Q, R246Q, R84Q, R231Q.
Identifiers: ClinVar variation 1406602 (VCV001406602.7), dbSNP rs780826701, ClinGen allele CA814729.

ClinVar aggregate classification (germline): Conflicting classifications of pathogenicity. Review status: criteria provided, conflicting classifications (1 of 4 stars). 2 submissions from 2 submitters: Uncertain significance (1); Likely benign (1). Last evaluated 2024-09-20.

Conditions:
Developmental and epileptic encephalopathy. Identifiers: MedGen C5779964, MONDO:0100620.
Developmental and epileptic encephalopathy, 15 (DEE15). Also called: Early infantile epileptic encephalopathy 15. Identifiers: Orphanet 3451, MedGen C3554316, MONDO:0014003, OMIM 615006.
Intellectual developmental disorder, autosomal recessive 12. Also called: Intellectual disability, autosomal recessive 12. Identifiers: Orphanet 88616, MedGen C1970200, MONDO:0012612, OMIM 611090.

Allele frequency attached by ClinVar (database versions not stated): gnomAD 0.00001 and 0.00002; ExAC 0.00001; gnomAD exomes below 0.00001; TOPMed 0.00001.
gnomAD v4.1: 36 of 1,614,118 alleles (0.0022%); highest among the groups gnomAD compares: South Asian, 0.0055%; no homozygotes.

Submissions (2):

3billion
Classification: Likely benign for Developmental and epileptic encephalopathy, 15; Intellectual developmental disorder, autosomal recessive 12. Last evaluated: 2024-09-20. Review status: criteria provided, single submitter. Criteria: ACMG Guidelines, 2015. Collection method: clinical testing. Allele origin: germline. Affected: no.
Comment: The homozygous variant was found in patients diagnosed with another variant in a different gene, with no symptoms related to the gene containing the homozygous variant.

Labcorp Genetics (formerly Invitae), Labcorp
Classification: Uncertain significance for Early-infantile DEE. Last evaluated: 2022-10-13. Review status: criteria provided, single submitter. Criteria: Invitae Variant Classification Sherloc (09022015). Collection method: clinical testing. Allele origin: germline.
Comment: This sequence change replaces arginine, which is basic and polar, with glutamine, which is neutral and polar, at codon 177 of the ST3GAL3 protein (p.Arg177Gln). In summary, the available evidence is currently insufficient to determine the role of this variant in disease. Therefore, it has been classified as a Variant of Uncertain Significance. Advanced modeling of protein sequence and biophysical properties (such as structural, functional, and spatial information, amino acid conservation, physicochemical variation, residue mobility, and thermodynamic stability) performed at Invitae indicates that this missense variant is not expected to disrupt ST3GAL3 protein function. ClinVar contains an entry for this variant (Variation ID: 1406602). This variant has not been reported in the literature in individuals affected with ST3GAL3-related conditions. This variant is present in population databases (rs780826701, gnomAD 0.003%).